The following is an entry in ClinVar:

ClinVar aggregate classification (germline): Uncertain significance (0 of 4 stars; one submission).

Conditions:
TJP2-related disorder. Also called: TJP2-related condition.

Submission:

PreventionGenetics, part of Exact Sciences
Classification: Uncertain significance for TJP2-related condition. Last evaluated: 2024-04-17. Review status: no assertion criteria provided. Collection method: clinical testing. Allele origin: germline.
Comment: The TJP2 c.2474G>A variant is predicted to result in the amino acid substitution p.Arg825Lys. To our knowledge, this variant has not been reported in the literature or in a large population database, indicating this variant is rare. At this time, the clinical significance of this variant is uncertain due to the absence of conclusive functional and genetic evidence.

NM_004817.4(TJP2):c.2474G>A (p.Arg825Lys)

Gene: TJP2 (tight junction protein 2; plus strand). Cytogenetic location: 9q21.11.
Variant type: single nucleotide variant.
Coding change: c.2474G>A on transcript NM_004817.4 (MANE Select); coding-DNA position 2474, G replaced by A.
Protein change: p.Arg825Lys; replaces arginine 825 with lysine.
Molecular consequence: missense variant.
Genome position (GRCh38, 1-based): chr9:69,240,055, G>A. VCF-style: chr9-69240055-G-A. GRCh37 (hg19) VCF-style: chr9-71854971-G-A.
Other names: c.2405G>A, p.Arg802Lys (NM_001170414.2, NM_001369871.1); c.2486G>A, p.Arg829Lys (NM_001170415.1, NM_001369874.1, NM_001369875.1); c.2567G>A, p.Arg856Lys (NM_001170416.2); c.2399G>A, p.Arg800Lys (NM_001369870.1); c.2474G>A, p.Arg825Lys (NM_001369872.1, NM_001369873.1, NM_201629.3); short protein forms R800K, R802K, R825K, R829K, R856K.
Identifiers: ClinVar variation 3346116 (VCV003346116.1).